The following is an entry in ClinVar:

NM_000478.6(ALPL):c.894G>T (p.Glu298Asp)

Gene: ALPL (alkaline phosphatase, biomineralization associated; plus strand). Cytogenetic location: 1p36.12.
Variant type: single nucleotide variant.
Coding change: c.894G>T on transcript NM_000478.6 (MANE Select); coding-DNA position 894, G replaced by T.
Protein change: p.Glu298Asp; replaces glutamic acid 298 with aspartic acid.
Molecular consequence: missense variant.
Genome position (GRCh38, 1-based): chr1:21,573,696, G>T. VCF-style: chr1-21573696-G-T. GRCh37 (hg19) VCF-style: chr1-21900189-G-T.
Other names: c.729G>T, p.Glu243Asp (NM_001127501.4); c.663G>T, p.Glu221Asp (NM_001177520.3); c.894G>T, p.Glu298Asp (NM_001369803.2, NM_001369804.2, NM_001369805.2); short protein forms E221D, E243D, E298D.
Identifiers: ClinVar variation 2823135 (VCV002823135.3), dbSNP rs2545334612, ClinGen allele CA338880231.

ClinVar aggregate classification (germline): Likely pathogenic (1 of 4 stars; one submission).

gnomAD v4.1: 1 of 1,614,034 alleles (0.000062%); highest among the groups gnomAD compares: South Asian, 0.0011%; no homozygotes.

Submission:

Labcorp Genetics (formerly Invitae), Labcorp
Classification: Likely pathogenic. Last evaluated: 2022-12-22. Review status: criteria provided, single submitter. Criteria: Invitae Variant Classification Sherloc (09022015). Collection method: clinical testing. Allele origin: germline.
Comment: In summary, the currently available evidence indicates that the variant is pathogenic, but additional data are needed to prove that conclusively. Therefore, this variant has been classified as Likely Pathogenic. This variant disrupts the p.Glu298 amino acid residue in ALPL. Other variant(s) that disrupt this residue have been determined to be pathogenic (PMID: 7833929; Invitae). This suggests that this residue is clinically significant, and that variants that disrupt this residue are likely to be disease-causing. Advanced modeling of protein sequence and biophysical properties (such as structural, functional, and spatial information, amino acid conservation, physicochemical variation, residue mobility, and thermodynamic stability) performed at Invitae indicates that this missense variant is expected to disrupt ALPL protein function. This variant has not been reported in the literature in individuals affected with ALPL-related conditions. This variant is not present in population databases (gnomAD no frequency). This sequence change replaces glutamic acid, which is acidic and polar, with aspartic acid, which is acidic and polar, at codon 298 of the ALPL protein (p.Glu298Asp).

Literature cited by the submitters: PubMed 7833929.